The following is an entry in ClinVar:

NM_001171613.2(PREPL):c.1263-7A>G

Gene: PREPL (prolyl endopeptidase like; minus strand). Cytogenetic location: 2p21.
Variant type: single nucleotide variant.
Coding change: c.1263-7A>G on transcript NM_001171613.2 (MANE Select); 7 bases into the intron before coding-DNA position 1263, A replaced by G.
Molecular consequence: intron variant.
Genome position (GRCh38, 1-based): chr2:44,326,935, T>C on the plus strand (A>G on the coding strand, the complement: PREPL is on the minus strand). VCF-style: chr2-44326935-T-C. GRCh37 (hg19) VCF-style: chr2-44554074-T-C.
Other names: c.1263-7A>G (NM_001171617.1, NM_001374277.1); c.1530-7A>G (NM_001171603.1, NM_001374275.1, NM_001374276.1 and 2 more transcripts); c.1344-7A>G (NM_001042385.2); c.1332-7A>G (NM_001042386.2).
Identifiers: ClinVar variation 1923691 (VCV001923691.2), dbSNP rs753469874, ClinGen allele CA1641161.

ClinVar aggregate classification (germline): Uncertain significance (1 of 4 stars; one submission).

Conditions:
Myasthenic syndrome, congenital, 22 (CMS22). Also called: PREPL DEFICIENCY. Identifiers: MedGen C4479088, MONDO:0044299, OMIM 616224.

Allele frequency attached by ClinVar (database versions not stated): ExAC 0.00002; TOPMed 0.00002; gnomAD 0.00003; gnomAD exomes 0.00004.

Submission:

Labcorp Genetics (formerly Invitae), Labcorp
Classification: Uncertain significance for Myasthenic syndrome, congenital, 22. Last evaluated: 2022-09-29. Review status: criteria provided, single submitter. Criteria: Invitae Variant Classification Sherloc (09022015). Collection method: clinical testing. Allele origin: germline.
Comment: This sequence change falls in intron 9 of the PREPL gene. It does not directly change the encoded amino acid sequence of the PREPL protein. This variant is present in population databases (rs753469874, gnomAD 0.004%). This variant has not been reported in the literature in individuals affected with PREPL-related conditions. Algorithms developed to predict the effect of sequence changes on RNA splicing suggest that this variant may disrupt the consensus splice site. In summary, the available evidence is currently insufficient to determine the role of this variant in disease. Therefore, it has been classified as a Variant of Uncertain Significance.